The following is an entry in ClinVar:

NM_000298.6(PKLR):c.1529G>A (p.Arg510Gln)

Gene: PKLR (pyruvate kinase L/R; minus strand). Cytogenetic location: 1q22.
Variant type: single nucleotide variant.
Coding change: c.1529G>A on transcript NM_000298.6 (MANE Select); coding-DNA position 1529, G replaced by A.
Protein change: p.Arg510Gln; replaces arginine 510 with glutamine.
Molecular consequence: missense variant.
Genome position (GRCh38, 1-based): chr1:155,291,845, C>T on the plus strand (G>A on the coding strand, the complement: PKLR is on the minus strand). VCF-style: chr1-155291845-C-T. GRCh37 (hg19) VCF-style: chr1-155261636-C-T.
Other names: c.1529G>A, p.Arg510Gln (LRG_1136t1); c.1436G>A, p.Arg479Gln (NM_181871.4); short protein forms R510Q, R479Q.
Identifiers: ClinVar variation 1511 (VCV000001511.69), dbSNP rs113403872, ClinGen allele CA215079.

ClinVar aggregate classification (germline): Pathogenic. Review status: criteria provided, multiple submitters, no conflicts (2 of 4 stars). 25 submissions from 25 submitters: Pathogenic (22). 3 of the submissions do not count toward it. Last evaluated 2026-07-20.

Conditions:
PKLR-related disorder. Also called: PKLR-related condition.
Congenital anemia. Identifiers: MedGen C0158995, MONDO:0000577.
Pyruvate kinase deficiency of red cells (CNSHA2). Also called: Pyruvate kinase deficiency, Amish type; PK DEFICIENCY; PYRUVATE KINASE DEFICIENCY OF ERYTHROCYTE. Identifiers: Orphanet 766, MedGen C0340968, MONDO:0009950, OMIM 266200.
Pyruvate kinase hyperactivity. Identifiers: MedGen C1863224, MONDO:0007067, OMIM 102900.

Allele frequency attached by ClinVar (database versions not stated): 1000 Genomes Project 30x 0.00016; 1000 Genomes Project 0.00020; gnomAD exomes 0.00036; ExAC 0.00040; TOPMed 0.00048; gnomAD 0.00052; ESP Exome Variant Server 0.00069.
gnomAD v4.1: 1,240 of 1,614,054 alleles (0.077%); highest among the groups gnomAD compares: Non-Finnish European, 0.1%; no homozygotes.

Submissions 1 to 7 of 25:

PreventionGenetics, part of Exact Sciences
Classification: Pathogenic for PKLR-related condition. Last evaluated: 2026-07-20. Review status: criteria provided, single submitter. Criteria: ACMG Guidelines, 2015. Collection method: clinical testing. Allele origin: germline.
Comment: The PKLR c.1529G>A variant is predicted to result in the amino acid substitution p.Arg510Gln. This variant has previously been reported in the homozygous and compound heterozygous state in individuals with pyruvate kinase deficiency (Baronciani and Beutler. 1993. PubMed ID: 8483951; Baronciani and Beutler. 1995. PubMed ID: 7706479; Russo et al. 2018. PubMed ID: 29396846). In vitro experimental studies indicate that the p.Arg510Gln variant results in decreased stability in heat and increased susceptibility to ATP inhibition (Wang et al. 2001. PubMed ID: 11698298). This variant is reported in 0.075% of alleles in individuals of European (Non-Finnish) descent in gnomAD. This variant is interpreted as pathogenic.

Victorian Clinical Genetics Services, Murdoch Childrens Research Institute
Classification: Pathogenic for Pyruvate kinase deficiency of red cells. Last evaluated: 2026-07-06. Review status: criteria provided, single submitter. Criteria: ACMG Guidelines, 2015. Collection method: clinical testing. Allele origin: germline. Affected: no.
Comment: This variant is classified as Pathogenic. Evidence in support of pathogenic classification: This variant is present in gnomAD <0.01 (v4: 1240 heterozygote(s), 0 homozygote(s)); This variant has strong previous evidence of pathogenicity in unrelated individuals. This very has been classified as pathogenic by multiple clinical laboratories in ClinVar; Missense variant predicted to be damaging by in silico tool(s) and/or highly conserved with a major amino acid change. Additional information: This variant is predicted to result in a missense amino acid change from Arg to Gln; This variant is heterozygous; This gene is associated with both recessive and dominant disease. Both dominant elevated adenosine triphosphate of erythrocytes (MIM#102900) and recessive pyruvate kinase deficiency (MIM#266200) have been associated with PKLR. However, most of the literature reports associate with the recessive condition; Alternative amino acid change(s) at the same position are present in gnomAD (highest allele count: v4: 1 heterozygote(s), 0 homozygote(s)); Variant is located in the annotated PK_C domain (DECIPHER); Loss of function is a known mechanism of disease in this gene and is associated with adenosine triphosphate, elevated, of erythrocytes (MIM#102900) and pyruvate kinase deficiency (MIM#266200); Variants in this gene are known to have variable expressivity. Varying clinical outcomes have been reported for individuals with consistent genotypes (PMID: 32043619).

CeGaT Center for Human Genetics Tuebingen
Classification: Pathogenic. Last evaluated: 2026-05-01. Review status: criteria provided, single submitter. Criteria: CeGaT Center For Human Genetics Tuebingen Variant Classification Criteria Version 2. Collection method: clinical testing. Allele origin: germline. Affected: yes. Observed: 4 variant alleles.
Comment: PKLR: PM3:Very Strong, PM2, PS3:Supporting

Women's Health and Genetics/Laboratory Corporation of America, LabCorp
Classification: Pathogenic for Pyruvate kinase deficiency of red cells. Last evaluated: 2026-02-16. Review status: criteria provided, single submitter. Criteria: LabCorp Variant Classification Summary - May 2015. Collection method: clinical testing. Allele origin: germline.
Comment: Variant summary: PKLR c.1529G>A (p.Arg510Gln) results in a conservative amino acid change in the encoded protein sequence. Algorithms developed to predict the effect of missense changes on protein structure and function are either unavailable or do not agree on the potential impact of this missense change. The variant allele was found at a frequency of 0.00036 in 251478 control chromosomes. This frequency is not significantly higher than estimated for disease-causing variants in PKLR, allowing no conclusion about variant significance. c.1529G>A has been observed in multiple individuals affected with Pyruvate Kinase Deficiency Of Red Cells (e.g. Lenzner_1997). These data indicate that the variant is very likely to be associated with disease. The following publication has been ascertained in the context of this evaluation (PMID: 9057665). ClinVar contains an entry for this variant (Variation ID: 1511). Based on the evidence outlined above, the variant was classified as pathogenic.

Labcorp Genetics (formerly Invitae), Labcorp
Classification: Pathogenic. Last evaluated: 2026-01-06. Review status: criteria provided, single submitter. Criteria: Invitae Variant Classification Sherloc (09022015). Collection method: clinical testing. Allele origin: germline.
Comment: This sequence change replaces arginine, which is basic and polar, with glutamine, which is neutral and polar, at codon 510 of the PKLR protein (p.Arg510Gln). This variant is present in population databases (rs113403872, gnomAD 0.07%). This missense change has been observed in individual(s) with pyruvate kinase deficiency (PMID: 8483951, 11698298, 18683378, 29396846). ClinVar contains an entry for this variant (Variation ID: 1511). Invitae Evidence Modeling of protein sequence and biophysical properties (such as structural, functional, and spatial information, amino acid conservation, physicochemical variation, residue mobility, and thermodynamic stability) indicates that this missense variant is expected to disrupt PKLR protein function with a positive predictive value of 80%. Experimental studies have shown that this missense change affects PKLR function (PMID: 11698298). For these reasons, this variant has been classified as Pathogenic.

Institute of Human Genetics, University of Leipzig Medical Center
Classification: Pathogenic for Pyruvate kinase deficiency of red cells. Last evaluated: 2025-12-04. Review status: criteria provided, single submitter. Criteria: ACMG Guidelines, 2015. Collection method: clinical testing. Allele origin: unknown. Inheritance: Autosomal recessive inheritance. Affected: yes.
Comment: Criteria applied: PM3_VSTR,PS3_SUP,PP3,PP4

3billion
Classification: Pathogenic for Pyruvate kinase deficiency of red cells. Last evaluated: 2025-07-29. Review status: criteria provided, single submitter. Criteria: ACMG Guidelines, 2015. Collection method: clinical testing. Allele origin: germline. Affected: yes.
Comment: The variant is observed at an extremely low frequency in the gnomAD v4.1.0 dataset (total allele frequency: 0.077%). Predicted Consequence/Location: Missense variant Functional studies provide strong evidence of the variant having a damaging effect on the gene or gene product (PMID: 11698298). In silico tool predictions suggest damaging effect of the variant on gene or gene product [REVEL: 0.95 (>=0.6, sensitivity 0.68 and specificity 0.92); 3Cnet: 0.98 (> 0.75, sensitivity 0.96 and precision 0.92)]. The same nucleotide change resulting in the same amino acid change has been previously reported as pathogenic/likely pathogenic with strong evidence (ClinVar ID: VCV000001511 /PMID: 8483951). Therefore, this variant is classified as Pathogenic according to the recommendation of ACMG/AMP guideline.